The following is an entry in ClinVar:

NM_001303256.3(MORC2):c.1497C>T (p.Cys499=)

Gene: MORC2 (MORC family CW-type zinc finger 2; minus strand). Cytogenetic location: 22q12.2.
Variant type: single nucleotide variant.
Coding change: c.1497C>T on transcript NM_001303256.3 (MANE Select); coding-DNA position 1497, C replaced by T.
Protein change: p.Cys499=; no amino-acid change (cysteine 499 retained).
Molecular consequence: synonymous variant.
Genome position (GRCh38, 1-based): chr22:30,937,584, G>A on the plus strand (C>T on the coding strand, the complement: MORC2 is on the minus strand). VCF-style: chr22-30937584-G-A. GRCh37 (hg19) VCF-style: chr22-31333571-G-A.
Other names: c.1497C>T, p.Cys499= (NM_001303257.2); c.1311C>T, p.Cys437= (NM_014941.3).
Identifiers: ClinVar variation 572532 (VCV000572532.7), dbSNP rs1345120667, ClinGen allele CA514239297.
Genomic context (GRCh38, chr22:30,937,584, plus strand): 5'-AGAAAAGAGGCTTGTGGGCTGATGGAAATGAGTCGGGGGGGTCCAACCACCCAACTCACC[G>A]CACTGGATGGTGGTGGGGATTTCCATAGCTCTCCGGCGTTTGTAACGCAGCTCACTGGAT-3'
Protein context (NP_001290185.1, residues 489-509): RAMEIPTTIQ[Cys499=]DLCLKWRTLP

ClinVar aggregate classification (germline): Uncertain significance (1 of 4 stars; one submission).

Conditions:
Charcot-Marie-Tooth disease axonal type 2Z. Also called: CHARCOT-MARIE-TOOTH DISEASE, AXONAL, AUTOSOMAL DOMINANT, TYPE 2Z; CHARCOT-MARIE-TOOTH NEUROPATHY, TYPE 2Z. Identifiers: Orphanet 466768, MedGen C5569025, MONDO:0014736, OMIM 616688.

Allele frequency attached by ClinVar (database versions not stated): gnomAD exomes 0.00001 and 0.00002; TOPMed 0.00001; gnomAD 0.00001.
gnomAD v4.1: 29 of 1,612,514 alleles (0.0018%); highest among the groups gnomAD compares: African/African-American, 0.0067%; no homozygotes.

Submission:

Labcorp Genetics (formerly Invitae), Labcorp
Classification: Uncertain significance for Charcot-Marie-Tooth disease axonal type 2Z. Last evaluated: 2022-12-06. Review status: criteria provided, single submitter. Criteria: Invitae Variant Classification Sherloc (09022015). Collection method: clinical testing. Allele origin: germline.
Comment: In summary, the available evidence is currently insufficient to determine the role of this variant in disease. Therefore, it has been classified as a Variant of Uncertain Significance. Algorithms developed to predict the effect of sequence changes on RNA splicing suggest that this variant is not likely to affect RNA splicing. ClinVar contains an entry for this variant (Variation ID: 572532). This variant has not been reported in the literature in individuals affected with MORC2-related conditions. This variant is present in population databases (no rsID available, gnomAD 0.007%). This sequence change affects codon 499 of the MORC2 mRNA. It is a 'silent' change, meaning that it does not change the encoded amino acid sequence of the MORC2 protein. It affects a nucleotide within the consensus splice site.